The following is an entry in ClinVar:

NM_001111.5(ADAR):c.2957C>T (p.Ser986Phe)

Gene: ADAR (adenosine deaminase RNA specific; minus strand). Cytogenetic location: 1q21.3.
Variant type: single nucleotide variant.
Coding change: c.2957C>T on transcript NM_001111.5 (MANE Select); coding-DNA position 2957, C replaced by T.
Protein change: p.Ser986Phe; replaces serine 986 with phenylalanine.
Molecular consequence: missense variant.
Genome position (GRCh38, 1-based): chr1:154,588,187, G>A on the plus strand (C>T on the coding strand, the complement: ADAR is on the minus strand). VCF-style: chr1-154588187-G-A. GRCh37 (hg19) VCF-style: chr1-154560663-G-A.
Other names: c.2072C>T, p.Ser691Phe (NM_001025107.3, NM_001193495.2, NM_001365046.1 and 2 more transcripts); c.2984C>T, p.Ser995Phe (NM_001365045.1); c.1994C>T, p.Ser665Phe (NM_001365049.1); c.2879C>T, p.Ser960Phe (NM_015840.4); c.2822C>T, p.Ser941Phe (NM_015841.4); short protein forms S665F, S941F, S986F, S995F, S960F, S691F.
Identifiers: ClinVar variation 1491685 (VCV001491685.8), dbSNP rs777129140, ClinGen allele CA1131095.
Genomic context (GRCh38, chr1:154,588,187, plus strand): 5'-TTCTCCACCTTGGTGCGGAGCTTTCCTTGTTTGGGATTCTCGAAGACAGGGTAGTGGCGG[G>A]ATTCTGTGCTTTCCATAGCACGGTCGCTGCAGGACTTGTCAAAGAGGGCGCCATCTCCAC-3'
Protein context (NP_001102.3, residues 976-996): CSDRAMESTE[Ser986Phe]RHYPVFENPK

ClinVar aggregate classification (germline): Uncertain significance (1 of 4 stars; one submission).

Conditions:
Aicardi-Goutieres syndrome 6 (AGS6). Identifiers: Orphanet 51, MedGen C3539013, MONDO:0014007, OMIM 615010.
Symmetrical dyschromatosis of extremities (DSH). Also called: SYMMETRIC DYSCHROMATOSIS OF THE EXTREMITIES; Dyschromatosis symmetrica hereditaria; RETICULATE ACROPIGMENTATION OF DOHI; DYSCHROMATOSIS SYMMETRICA HEREDITARIA 1. Identifiers: Orphanet 41, MedGen C0406775, MONDO:0007483, OMIM 127400.

Allele frequency attached by ClinVar (database versions not stated): gnomAD exomes below 0.00001; TOPMed below 0.00001; ExAC 0.00001.
gnomAD v4.1: 2 of 1,614,058 alleles (0.00012%); highest among the groups gnomAD compares: Admixed American, 0.0033%; no homozygotes.

Submission:

Labcorp Genetics (formerly Invitae), Labcorp
Classification: Uncertain significance for Aicardi-Goutieres syndrome 6; Symmetrical dyschromatosis of extremities. Last evaluated: 2025-12-23. Review status: criteria provided, single submitter. Criteria: Invitae Variant Classification Sherloc (09022015). Collection method: clinical testing. Allele origin: germline.
Comment: This sequence change replaces serine, which is neutral and polar, with phenylalanine, which is neutral and non-polar, at codon 986 of the ADAR protein (p.Ser986Phe). This variant is present in population databases (rs777129140, gnomAD 0.003%). This variant has not been reported in the literature in individuals affected with ADAR-related conditions. ClinVar contains an entry for this variant (Variation ID: 1491685). Invitae Evidence Modeling of protein sequence and biophysical properties (such as structural, functional, and spatial information, amino acid conservation, physicochemical variation, residue mobility, and thermodynamic stability) indicates that this missense variant is not expected to disrupt ADAR protein function with a negative predictive value of 80%. In summary, the available evidence is currently insufficient to determine the role of this variant in disease. Therefore, it has been classified as a Variant of Uncertain Significance.